The following is an entry in ClinVar:

NM_053025.4(MYLK):c.1429G>A (p.Ala477Thr)

Gene: MYLK (myosin light chain kinase; minus strand). Cytogenetic location: 3q21.1.
Variant type: single nucleotide variant.
Coding change: c.1429G>A on transcript NM_053025.4 (MANE Select); coding-DNA position 1429, G replaced by A.
Protein change: p.Ala477Thr; replaces alanine 477 with threonine.
Molecular consequence: missense variant. On other transcripts: intron variant (2).
Genome position (GRCh38, 1-based): chr3:123,732,983, C>T on the plus strand (G>A on the coding strand, the complement: MYLK is on the minus strand). VCF-style: chr3-123732983-C-T. GRCh37 (hg19) VCF-style: chr3-123451830-C-T.
Other names: c.901G>A, p.Ala301Thr (NM_001321309.2); c.1429G>A, p.Ala477Thr (NM_053027.4); c.1309+704G>A (NM_053028.4, NM_053026.4); short protein forms A301T, A477T.
Identifiers: ClinVar variation 2811414 (VCV002811414.3), dbSNP rs2474549592, ClinGen allele CA354237949.

ClinVar aggregate classification (germline): Uncertain significance (1 of 4 stars; one submission).

Conditions:
Aortic aneurysm, familial thoracic 7 (AAT7). Also called: AORTIC DISSECTION, FAMILIAL, WITH OR WITHOUT AORTIC ANEURYSM. Identifiers: MedGen C3151077, MONDO:0013418, OMIM 613780.

Allele frequency attached by ClinVar (database versions not stated): gnomAD exomes below 0.00001.

Submission:

Labcorp Genetics (formerly Invitae), Labcorp
Classification: Uncertain significance for Aortic aneurysm, familial thoracic 7. Last evaluated: 2022-11-01. Review status: criteria provided, single submitter. Criteria: Invitae Variant Classification Sherloc (09022015). Collection method: clinical testing. Allele origin: germline.
Comment: This variant is not present in population databases (gnomAD no frequency). This sequence change replaces alanine, which is neutral and non-polar, with threonine, which is neutral and polar, at codon 477 of the MYLK protein (p.Ala477Thr). This variant has not been reported in the literature in individuals affected with MYLK-related conditions. In summary, the available evidence is currently insufficient to determine the role of this variant in disease. Therefore, it has been classified as a Variant of Uncertain Significance. Advanced modeling of protein sequence and biophysical properties (such as structural, functional, and spatial information, amino acid conservation, physicochemical variation, residue mobility, and thermodynamic stability) performed at Invitae indicates that this missense variant is not expected to disrupt MYLK protein function.